The following is an entry in ClinVar:

NM_001292063.2(OTOG):c.5918C>T (p.Thr1973Met)

Gene: OTOG (otogelin; plus strand). Cytogenetic location: 11p15.1.
Variant type: single nucleotide variant.
Coding change: c.5918C>T on transcript NM_001292063.2 (MANE Select); coding-DNA position 5918, C replaced by T.
Protein change: p.Thr1973Met; replaces threonine 1973 with methionine.
Molecular consequence: missense variant.
Genome position (GRCh38, 1-based): chr11:17,611,218, C>T. VCF-style: chr11-17611218-C-T. GRCh37 (hg19) VCF-style: chr11-17632765-C-T.
Other names: c.5954C>T, p.Thr1985Met (NM_001277269.2); short protein forms T1985M, T1973M.
Identifiers: ClinVar variation 666899 (VCV000666899.7), dbSNP rs868729716, ClinGen allele CA218477170.

ClinVar aggregate classification (germline): Uncertain significance. Review status: criteria provided, multiple submitters, no conflicts (2 of 4 stars). 2 submissions from 2 submitters: Uncertain significance (2). Last evaluated 2021-08-23.

Allele frequency attached by ClinVar (database versions not stated): TOPMed 0.00009; gnomAD exomes 0.00030.
gnomAD v4.1: 71 of 1,550,436 alleles (0.0046%); highest among the groups gnomAD compares: Admixed American, 0.1%; 2 homozygotes.

Submissions (2):

Labcorp Genetics (formerly Invitae), Labcorp
Classification: Uncertain significance. Last evaluated: 2021-08-23. Review status: criteria provided, single submitter. Criteria: Invitae Variant Classification Sherloc (09022015). Collection method: clinical testing. Allele origin: germline.
Comment: This sequence change replaces threonine with methionine at codon 1985 of the OTOG protein (p.Thr1985Met). The threonine residue is highly conserved and there is a moderate physicochemical difference between threonine and methionine. The frequency data for this variant in the population databases is considered unreliable, as metrics indicate insufficient coverage at this position in the ExAC database. This variant has not been reported in the literature in individuals affected with OTOG-related conditions. ClinVar contains an entry for this variant (Variation ID: 666899). Algorithms developed to predict the effect of missense changes on protein structure and function are either unavailable or do not agree on the potential impact of this missense change (SIFT: "Deleterious"; PolyPhen-2: "Possibly Damaging"; Align-GVGD: "Class C0"). In summary, the available evidence is currently insufficient to determine the role of this variant in disease. Therefore, it has been classified as a Variant of Uncertain Significance.

Laboratory for Molecular Medicine, Mass General Brigham Personalized Medicine
Classification: Uncertain significance. Last evaluated: 2018-05-21. Review status: criteria provided, single submitter. Criteria: LMM Criteria. Collection method: clinical testing. Allele origin: germline. Observed: 2 variant alleles.
Comment: The p.Thr1985Met variant in OTOG has not been previously reported in individuals with hearing loss. This variant has been identified in 22/23846 of Latino chrom osomes by the Genome Aggregation Database (gnomAD. org; dbSNP rs868729716). Although this variant has been seen in the general popu lation, its frequency is not high enough to rule out a pathogenic role. Computat ional prediction tools and conservation analysis do not provide strong support f or or against an impact to the protein. In summary, the clinical significance of the p.Thr1985Met variant is uncertain. ACMG/AMP criteria applied: BS1_Supportin g.